The following is an entry in ClinVar:

ClinVar aggregate classification (germline): Uncertain significance (1 of 4 stars; one submission).

Conditions:
Spastic paraplegia. Identifiers: MedGen C0037772, HP:0001258.

Submission:

Labcorp Genetics (formerly Invitae), Labcorp
Classification: Uncertain significance for Spastic paraplegia. Last evaluated: 2025-10-08. Review status: criteria provided, single submitter. Criteria: Invitae Variant Classification Sherloc (09022015). Collection method: clinical testing. Allele origin: germline.
Comment: This sequence change replaces alanine, which is neutral and non-polar, with serine, which is neutral and polar, at codon 45 of the AP4E1 protein (p.Ala45Ser). The frequency data for this variant in the population databases is considered unreliable, as metrics indicate poor data quality at this position in the gnomAD database. This variant has not been reported in the literature in individuals affected with AP4E1-related conditions. An algorithm developed to predict the effect of missense changes on protein structure and function (PolyPhen-2) suggests that this variant is likely to be tolerated. In summary, the available evidence is currently insufficient to determine the role of this variant in disease. Therefore, it has been classified as a Variant of Uncertain Significance.

NM_007347.5(AP4E1):c.133G>T (p.Ala45Ser)

Gene: AP4E1 (adaptor related protein complex 4 subunit epsilon 1; plus strand). Cytogenetic location: 15q21.2.
Variant type: single nucleotide variant.
Coding change: c.133G>T on transcript NM_007347.5 (MANE Select); coding-DNA position 133, G replaced by T.
Protein change: p.Ala45Ser; replaces alanine 45 with serine.
Molecular consequence: missense variant. On other transcripts: 5 prime UTR variant (1).
Genome position (GRCh38, 1-based): chr15:50,908,911, G>T. VCF-style: chr15-50908911-G-T. GRCh37 (hg19) VCF-style: chr15-51201108-G-T.
Other names: c.-116G>T (NM_001252127.2); short protein forms A45S.
Identifiers: ClinVar variation 4751431 (VCV004751431.1).